The following is an entry in ClinVar:

ClinVar aggregate classification (germline): Uncertain significance. Review status: criteria provided, multiple submitters, no conflicts (2 of 4 stars). 2 submissions from 2 submitters: Uncertain significance (2). Last evaluated 2025-02-16.

Conditions:
Baller-Gerold syndrome (BGS). Also called: CRANIOSYNOSTOSIS WITH RADIAL DEFECTS. Identifiers: Orphanet 1225, MedGen C0265308, MONDO:0009039, OMIM 218600.
Inborn genetic diseases. Identifiers: MedGen C0950123, MeSH D030342.

Submissions (2):

Ambry Genetics
Classification: Uncertain significance for Inborn genetic diseases. Last evaluated: 2025-02-16. Review status: criteria provided, single submitter. Criteria: Ambry Variant Classification Scheme 2023. Collection method: clinical testing. Allele origin: germline.
Comment: The p.A607G variant (also known as c.1820C>G), located in coding exon 11 of the RECQL4 gene, results from a C to G substitution at nucleotide position 1820. The alanine at codon 607 is replaced by glycine, an amino acid with similar properties. This amino acid position is conserved. In addition, the in silico prediction for this alteration is inconclusive. Based on the available evidence, the clinical significance of this variant remains unclear.

Labcorp Genetics (formerly Invitae), Labcorp
Classification: Uncertain significance for Baller-Gerold syndrome. Last evaluated: 2023-10-04. Review status: criteria provided, single submitter. Criteria: Invitae Variant Classification Sherloc (09022015). Collection method: clinical testing. Allele origin: germline.
Comment: This sequence change replaces alanine, which is neutral and non-polar, with glycine, which is neutral and non-polar, at codon 607 of the RECQL4 protein (p.Ala607Gly). This variant is not present in population databases (gnomAD no frequency). This variant has not been reported in the literature in individuals affected with RECQL4-related conditions. ClinVar contains an entry for this variant (Variation ID: 661096). Advanced modeling of protein sequence and biophysical properties (such as structural, functional, and spatial information, amino acid conservation, physicochemical variation, residue mobility, and thermodynamic stability) performed at Invitae indicates that this missense variant is expected to disrupt RECQL4 protein function. In summary, the available evidence is currently insufficient to determine the role of this variant in disease. Therefore, it has been classified as a Variant of Uncertain Significance.

NM_004260.4(RECQL4):c.1820C>G (p.Ala607Gly)

Gene: RECQL4 (RecQ like helicase 4; minus strand). Cytogenetic location: 8q24.3.
Variant type: single nucleotide variant.
Coding change: c.1820C>G on transcript NM_004260.4 (MANE Select); coding-DNA position 1820, C replaced by G.
Protein change: p.Ala607Gly; replaces alanine 607 with glycine.
Molecular consequence: missense variant.
Genome position (GRCh38, 1-based): chr8:144,514,247, G>C on the plus strand (C>G on the coding strand, the complement: RECQL4 is on the minus strand). VCF-style: chr8-144514247-G-C. GRCh37 (hg19) VCF-style: chr8-145739631-G-C.
Other names: short protein forms A607G.
Identifiers: ClinVar variation 661096 (VCV000661096.7), dbSNP rs1479605538, ClinGen allele CA372680802.